The following is an entry in ClinVar:

NM_000093.5(COL5A1):c.3131C>T (p.Ala1044Val)

Gene: COL5A1 (collagen type V alpha 1 chain; plus strand). Cytogenetic location: 9q34.3.
Variant type: single nucleotide variant.
Coding change: c.3131C>T on transcript NM_000093.5 (MANE Select); coding-DNA position 3131, C replaced by T.
Protein change: p.Ala1044Val; replaces alanine 1044 with valine.
Molecular consequence: missense variant.
Genome position (GRCh38, 1-based): chr9:134,804,991, C>T. VCF-style: chr9-134804991-C-T. GRCh37 (hg19) VCF-style: chr9-137696837-C-T.
Other names: c.3131C>T, p.Ala1044Val (NM_001278074.1); short protein forms A1044V.
Identifiers: ClinVar variation 3268756 (VCV003268756.1).

ClinVar aggregate classification (germline): Uncertain significance (1 of 4 stars; one submission).

Conditions:
Familial thoracic aortic aneurysm and aortic dissection (TAAD). Also called: Thoracic aortic aneurysms and dissections. Identifiers: Orphanet 91387, MedGen C4707243, MONDO:0019625.

gnomAD v4.1: 1 of 1,613,740 alleles (0.000062%); highest among the groups gnomAD compares: Non-Finnish European, 0.000085%; no homozygotes.

Submission:

Ambry Genetics
Classification: Uncertain significance for Familial thoracic aortic aneurysm and aortic dissection. Last evaluated: 2024-06-11. Review status: criteria provided, single submitter. Criteria: Ambry Variant Classification Scheme 2023. Collection method: clinical testing. Allele origin: germline.
Comment: The p.A1044V variant (also known as c.3131C>T), located in coding exon 40 of the COL5A1 gene, results from a C to T substitution at nucleotide position 3131. The alanine at codon 1044 is replaced by valine, an amino acid with similar properties. This amino acid position is well conserved in available vertebrate species. In addition, the in silico prediction for this alteration is inconclusive. Based on the available evidence, the clinical significance of this variant remains unclear.